The following is an entry in ClinVar:

NM_025137.4(SPG11):c.496C>G (p.Leu166Val)

Gene: SPG11 (SPG11 vesicle trafficking associated, spatacsin; minus strand). Cytogenetic location: 15q21.1.
Variant type: single nucleotide variant.
Coding change: c.496C>G on transcript NM_025137.4 (MANE Select); coding-DNA position 496, C replaced by G.
Protein change: p.Leu166Val; replaces leucine 166 with valine.
Molecular consequence: missense variant.
Genome position (GRCh38, 1-based): chr15:44,659,250, G>C on the plus strand (C>G on the coding strand, the complement: SPG11 is on the minus strand). VCF-style: chr15-44659250-G-C. GRCh37 (hg19) VCF-style: chr15-44951448-G-C.
Other names: c.496C>G, p.Leu166Val (NM_001160227.2); short protein forms L166V.
Identifiers: ClinVar variation 650682 (VCV000650682.8), dbSNP rs372037097, ClinGen allele CA7535809.

ClinVar aggregate classification (germline): Uncertain significance. Review status: criteria provided, multiple submitters, no conflicts (2 of 4 stars). 3 submissions from 3 submitters: Uncertain significance (3). Last evaluated 2022-11-22.

Conditions:
Inborn genetic diseases. Identifiers: MedGen C0950123, MeSH D030342.
Hereditary spastic paraplegia 11. Also called: Spastic Paraplegia 11; SPASTIC PARAPLEGIA, AUTOSOMAL RECESSIVE, COMPLICATED, WITH THIN CORPUS CALLOSUM; SPASTIC PARAPLEGIA, AUTOSOMAL RECESSIVE, WITH MENTAL IMPAIRMENT AND THIN CORPUS CALLOSUM; Spastic paraplegia, mental retardation and thin corpus callosum; Nakamura Osame syndrome; Autosomal recessive hereditary spastic paraplegia, mental impairment, and thin corpus callosum. Identifiers: Orphanet 2822, MedGen C1858479, MONDO:0011445, OMIM 604360.

Allele frequency attached by ClinVar (database versions not stated): ExAC 0.00001; gnomAD exomes 0.00001; TOPMed 0.00002; ESP Exome Variant Server 0.00008.
gnomAD v4.1: 8 of 1,613,974 alleles (0.0005%); highest among the groups gnomAD compares: Non-Finnish European, 0.00068%; no homozygotes.

Submissions (3):

GeneDx
Classification: Uncertain significance. Last evaluated: 2022-11-22. Review status: criteria provided, single submitter. Criteria: GeneDx Variant Classification Process June 2021. Collection method: clinical testing. Allele origin: germline. Affected: yes.
Comment: Not observed at significant frequency in large population cohorts (gnomAD); In silico analysis supports that this missense variant does not alter protein structure/function; Has not been previously published as pathogenic or benign to our knowledge; This variant is associated with the following publications: (PMID: 26556829)

Labcorp Genetics (formerly Invitae), Labcorp
Classification: Uncertain significance for Hereditary spastic paraplegia 11. Last evaluated: 2022-07-08. Review status: criteria provided, single submitter. Criteria: Invitae Variant Classification Sherloc (09022015). Collection method: clinical testing. Allele origin: germline.
Comment: This sequence change replaces leucine, which is neutral and non-polar, with valine, which is neutral and non-polar, at codon 166 of the SPG11 protein (p.Leu166Val). This variant is present in population databases (rs372037097, gnomAD 0.002%). This variant has not been reported in the literature in individuals affected with SPG11-related conditions. ClinVar contains an entry for this variant (Variation ID: 650682). Algorithms developed to predict the effect of missense changes on protein structure and function are either unavailable or do not agree on the potential impact of this missense change (SIFT: "Tolerated"; PolyPhen-2: "Probably Damaging"; Align-GVGD: "Class C0"). Algorithms developed to predict the effect of sequence changes on RNA splicing suggest that this variant may create or strengthen a splice site. In summary, the available evidence is currently insufficient to determine the role of this variant in disease. Therefore, it has been classified as a Variant of Uncertain Significance.

Ambry Genetics
Classification: Uncertain significance for Inborn genetic diseases. Last evaluated: 2020-12-30. Review status: criteria provided, single submitter. Criteria: Ambry Variant Classification Scheme 2023. Collection method: clinical testing. Allele origin: germline.
Comment: The p.L166V variant (also known as c.496C>G), located in coding exon 3 of the SPG11 gene, results from a C to G substitution at nucleotide position 496. The leucine at codon 166 is replaced by valine, an amino acid with highly similar properties. This amino acid position is highly conserved in available vertebrate species. In addition, this alteration is predicted to be tolerated by in silico analysis. Since supporting evidence is limited at this time, the clinical significance of this alteration remains unclear.